The following is an entry in ClinVar:

NM_001164508.2(NEB):c.1266T>A (p.Tyr422Ter)

Gene: NEB (nebulin; minus strand). Cytogenetic location: 2q23.3.
Variant type: single nucleotide variant.
Coding change: c.1266T>A on transcript NM_001164508.2 (MANE Select); coding-DNA position 1266, T replaced by A.
Protein change: p.Tyr422Ter; replaces tyrosine 422 with a stop codon.
Molecular consequence: nonsense.
Genome position (GRCh38, 1-based): chr2:151,697,449, A>T on the plus strand (T>A on the coding strand, the complement: NEB is on the minus strand). VCF-style: chr2-151697449-A-T. GRCh37 (hg19) VCF-style: chr2-152553963-A-T.
Other names: NM_001164508.2(NEB):c.1266T>A; p.Tyr422Ter; c.1266T>A, p.Tyr422Ter (NM_001164507.2, NM_001271208.2, NM_004543.5); short protein forms Y422*.
Identifiers: ClinVar variation 1285142 (VCV001285142.4), dbSNP rs2149360884, ClinGen allele CA348825769.

ClinVar aggregate classification (germline): Likely pathogenic. Review status: criteria provided, single submitter (1 of 4 stars). 3 submissions from 3 submitters: Likely pathogenic (1). 2 of the submissions do not count toward it. Last evaluated 2025-03-24.

Conditions:
Nemaline myopathy. Also called: Myopathies, Nemaline. Identifiers: Orphanet 607, MedGen C0206157, MONDO:0018958.

gnomAD v4.1: 2 of 1,613,166 alleles (0.00012%); highest among the groups gnomAD compares: Non-Finnish European, 0.00017%; no homozygotes.

Submissions (3):

Broad Center for Mendelian Genomics, Broad Institute of MIT and Harvard
Classification: Likely pathogenic for Nemaline myopathy. Last evaluated: 2025-03-24. Review status: criteria provided, single submitter. Criteria: ACMG Guidelines, 2015. Collection method: curation. Allele origin: germline. Inheritance: Autosomal recessive inheritance.
Comment: The p.Tyr422Ter variant in NEB has not been previously reported in the literature in individuals with nemaline myopathy, but has been identified in 0.0002% (2/1179354) of European (non-Finnish) chromosomes by the Genome Aggregation Database (gnomAD; dbSNP ID: rs2149360884). Although this variant has been seen in the general population in a heterozygous state, its frequency is low enough to be consistent with a recessive carrier frequency. This variant has also been reported in ClinVar (Variation ID: 1285142) and has been interpreted as pathogenic by Genome Diagnostics Laboratory (University Medical Center Utrecht and Joint Genome Diagnostic Labs from Nijmegen and Maastricht, Radboudumc and MUMC+). This nonsense variant leads to a premature termination codon at position 422, which is predicted to lead to a truncated or absent protein. Loss of function of the NEB gene is an established disease mechanism in autosomal recessive nemaline myopathy. In summary, although additional studies are required to fully establish its clinical significance, this variant is likely pathogenic for autosomal recessive nemaline myopathy. ACMG/AMP Criteria applied: PVS1, PM2_supporting (Richards 2015).

Genome Diagnostics Laboratory, University Medical Center Utrecht
Classification: Pathogenic. Review status: no assertion criteria provided. Collection method: clinical testing. Allele origin: germline. Affected: yes. Study: VKGL Data-share Consensus. Not counted in ClinVar's aggregate classification.

Joint Genome Diagnostic Labs from Nijmegen and Maastricht, Radboudumc and MUMC+
Classification: Pathogenic. Review status: no assertion criteria provided. Collection method: clinical testing. Allele origin: germline. Affected: yes. Study: VKGL Data-share Consensus. Not counted in ClinVar's aggregate classification.